The following is an entry in ClinVar:

ClinVar aggregate classification (germline): Pathogenic. Review status: criteria provided, multiple submitters, no conflicts (2 of 4 stars). 3 submissions from 3 submitters: Pathogenic (3). Last evaluated 2024-11-27.

Conditions:
Hereditary cancer-predisposing syndrome. Also called: Hereditary neoplastic syndrome; Tumor predisposition; Neoplastic Syndromes, Hereditary; Hereditary Cancer Syndrome. Identifiers: Orphanet 140162, MedGen C0027672, MeSH D009386, MONDO:0015356.
Hereditary diffuse gastric adenocarcinoma (HDGC). Also called: DIFFUSE GASTRIC AND LOBULAR BREAST CANCER SYNDROME. Identifiers: Orphanet 26106, MedGen C1708349, MONDO:0007648, OMIM 137215.

Submissions (3):

Labcorp Genetics (formerly Invitae), Labcorp
Classification: Pathogenic for Hereditary diffuse gastric adenocarcinoma. Last evaluated: 2024-11-27. Review status: criteria provided, single submitter. Criteria: Invitae Variant Classification Sherloc (09022015). Collection method: clinical testing. Allele origin: germline.
Comment: This sequence change creates a premature translational stop signal (p.Arg108Glufs*9) in the CDH1 gene. It is expected to result in an absent or disrupted protein product. Loss-of-function variants in CDH1 are known to be pathogenic (PMID: 15235021, 20373070). This variant is not present in population databases (gnomAD no frequency). This premature translational stop signal has been observed in individual(s) with diffuse gastric cancer (PMID: 36509094). ClinVar contains an entry for this variant (Variation ID: 2453321). For these reasons, this variant has been classified as Pathogenic.

Ambry Genetics
Classification: Pathogenic for Hereditary cancer-predisposing syndrome. Last evaluated: 2022-11-30. Review status: criteria provided, single submitter. Criteria: Ambry Variant Classification Scheme 2023. Collection method: clinical testing. Allele origin: germline.
Comment: The c.322delA variant, located in coding exon 3 of the CDH1 gene, results from a deletion of one nucleotide at nucleotide position 322, causing a translational frameshift with a predicted alternate stop codon (p.R108Efs*9). This alteration has been detected in an individual/family that meets the clinical criteria for Hereditary Diffuse Gastric Cancer (Mi EZ et al. Gastrointest Endosc, 2018 Feb;87:408-418). This variant is considered to be rare based on population cohorts in the Genome Aggregation Database (gnomAD). In addition to the clinical data presented in the literature, this alteration is expected to result in loss of function by premature protein truncation or nonsense-mediated mRNA decay. As such, this alteration is interpreted as a disease-causing mutation.

European Reference Network on Genetic Tumour Risk Syndromes (ERN-GENTURIS), i3s - Instituto de Investigação e Inovação em Saúde, University of Porto
Classification: Pathogenic for Hereditary diffuse gastric adenocarcinoma. Last evaluated: 2022-08-01. Review status: criteria provided, single submitter. Criteria: Lee et al. (Hum Mutat. 2018). Collection method: clinical testing. Allele origin: germline. Inheritance: Autosomal dominant inheritance. Affected: yes. Study: ERN GENTURIS.
Comment: PVS1; PS4_Supporting; PM2 (PMID: 30311375)

Literature cited by the submitters: PubMed 15235021 (cited by Labcorp Genetics (formerly Invitae), Labcorp); PubMed 20373070 (cited by Labcorp Genetics (formerly Invitae), Labcorp); PubMed 36509094 (cited by Labcorp Genetics (formerly Invitae), Labcorp); PubMed 28688938 (cited by Ambry Genetics); PubMed 36436516 (cited by European Reference Network on Genetic Tumour Risk Syndromes (ERN-GENTURIS), i3s - Instituto de Investigação e Inovação em Saúde, University of Porto).

NM_004360.5(CDH1):c.322del (p.Arg108fs)

Gene: CDH1 (cadherin 1; plus strand). Cytogenetic location: 16q22.1.
Variant type: Deletion.
Coding change: c.322del on transcript NM_004360.5 (MANE Select); coding-DNA position 322, one base deleted (A; older notation c.322delA).
Protein change: p.Arg108fs; shifts the reading frame from arginine 108.
Molecular consequence: frameshift variant. On other transcripts: 5 prime UTR variant (2).
Genome position (GRCh38, 1-based): chr16:68,801,828, A deleted. VCF-style (leftmost placement, unchanged base first): chr16-68801827-CA-C. GRCh37 (hg19) VCF-style: chr16-68835730-CA-C.
Other names: c.322del, p.Arg108fs (NM_001317184.2); c.-1294del (NM_001317185.2); c.-1498del (NM_001317186.2); c.322del (NM_004360.4); short protein forms R108fs.
Identifiers: ClinVar variation 2453321 (VCV002453321.5), dbSNP rs2543905509, ClinGen allele CA2580091901.